The following is an entry in ClinVar:

NM_177939.3(P4HTM):c.413T>C (p.Leu138Pro)

Gene: P4HTM (prolyl 4-hydroxylase, transmembrane; plus strand). Cytogenetic location: 3p21.31.
Variant type: single nucleotide variant.
Coding change: c.413T>C on transcript NM_177939.3 (MANE Select); coding-DNA position 413, T replaced by C.
Protein change: p.Leu138Pro; replaces leucine 138 with proline.
Molecular consequence: missense variant.
Genome position (GRCh38, 1-based): chr3:48,990,891, T>C. VCF-style: chr3-48990891-T-C. GRCh37 (hg19) VCF-style: chr3-49028324-T-C.
Other names: c.413T>C, p.Leu138Pro (NM_177938.2); short protein forms L138P.
Identifiers: ClinVar variation 5006639 (VCV005006639.2).

ClinVar aggregate classification (germline): Uncertain significance (1 of 4 stars; one submission).

Conditions:
Hypotonia, hypoventilation, impaired intellectual development, dysautonomia, epilepsy, and eye abnormalities. Also called: HYPOTONIA, HYPERVENTILATION, IMPAIRED INTELLECTUAL DEVELOPMENT, DYSAUTONOMIA, EPILEPSY, AND EYE ABNORMALITIES. Identifiers: MedGen C5193124, MONDO:0032780, OMIM 618493.

Submission:

Juno Genomics, Hangzhou Juno Genomics, Inc
Classification: Uncertain significance for Hypotonia, hypoventilation, impaired intellectual development, dysautonomia, epilepsy, and eye abnormalities. Review status: criteria provided, single submitter. Criteria: ACMG Guidelines, 2015. Collection method: clinical testing. Allele origin: germline.
Comment: Absent from controls (or at extremely low frequency if recessive) in Genome Aggregation Database.;Multiple lines of computational evidence support a deleterious effect on the gene or gene product.